The following is an entry in ClinVar:

ClinVar aggregate classification (germline): Benign. Review status: criteria provided, multiple submitters, no conflicts (2 of 4 stars). 9 submissions from 9 submitters: Benign (5). 4 of the submissions do not count toward it. Last evaluated 2026-05-09.

Allele frequency attached by ClinVar (database versions not stated): TOPMed 0.02207; gnomAD exomes 0.00186; 1000 Genomes Project 0.01877; gnomAD 0.02051 and 0.01914; 1000 Genomes Project 30x 0.01811; ESP Exome Variant Server 0.02076.
gnomAD v4.1: 5,719 of 1,585,112 alleles (0.36%); highest among the groups gnomAD compares: African/African-American, 6.7%; 183 homozygotes.

Submissions (9):

Women's Health and Genetics/Laboratory Corporation of America, LabCorp
Classification: Benign. Last evaluated: 2026-05-09. Review status: criteria provided, single submitter. Criteria: LabCorp Variant Classification Summary - May 2015. Collection method: clinical testing. Allele origin: germline.

Labcorp Genetics (formerly Invitae), Labcorp
Classification: Benign. Last evaluated: 2026-01-27. Review status: criteria provided, single submitter. Criteria: Invitae Variant Classification Sherloc (09022015). Collection method: clinical testing. Allele origin: germline.

ARUP Laboratories, Molecular Genetics and Genomics, ARUP Laboratories
Classification: Benign. Last evaluated: 2025-02-11. Review status: criteria provided, single submitter. Criteria: ARUP Molecular Germline Variant Investigation Process 2024. Collection method: clinical testing. Allele origin: germline.

GeneDx
Classification: Benign. Last evaluated: 2017-01-09. Review status: criteria provided, single submitter. Criteria: GeneDx Variant Classification (06012015). Collection method: clinical testing. Allele origin: germline. Affected: yes.
Comment: This variant is considered likely benign or benign based on one or more of the following criteria: it is a conservative change, it occurs at a poorly conserved position in the protein, it is predicted to be benign by multiple in silico algorithms, and/or has population frequency not consistent with disease.

Breakthrough Genomics
Classification: Benign. Review status: criteria provided, single submitter. Criteria: ACMG Guidelines, 2015. Collection method: not provided. Allele origin: germline. Inheritance: Autosomal dominant inheritance. Affected: yes.

Clinical Genetics DNA and cytogenetics Diagnostics Lab, Erasmus MC, Erasmus Medical Center
Classification: Benign. Review status: no assertion criteria provided. Collection method: clinical testing. Allele origin: germline. Affected: yes. Study: VKGL Data-share Consensus. Not counted in ClinVar's aggregate classification.

Genome Diagnostics Laboratory, Amsterdam University Medical Center
Classification: Benign. Review status: no assertion criteria provided. Collection method: clinical testing. Allele origin: germline. Affected: yes. Study: VKGL Data-share Consensus. Not counted in ClinVar's aggregate classification.

Joint Genome Diagnostic Labs from Nijmegen and Maastricht, Radboudumc and MUMC+
Classification: Likely benign. Review status: no assertion criteria provided. Collection method: clinical testing. Allele origin: germline. Affected: yes. Study: VKGL Data-share Consensus. Not counted in ClinVar's aggregate classification.

Laboratory of Diagnostic Genome Analysis, Leiden University Medical Center (LUMC)
Classification: Benign. Review status: no assertion criteria provided. Collection method: clinical testing. Allele origin: germline. Affected: yes. Study: VKGL Data-share Consensus. Not counted in ClinVar's aggregate classification.

NM_000142.5(FGFR3):c.1076-17C>T

Gene: FGFR3 (fibroblast growth factor receptor 3; plus strand). Cytogenetic location: 4p16.3.
Variant type: single nucleotide variant.
Coding change: c.1076-17C>T on transcript NM_000142.5 (MANE Select); 17 bases into the intron before coding-DNA position 1076, C replaced by T.
Molecular consequence: intron variant.
Genome position (GRCh38, 1-based): chr4:1,804,313, C>T. VCF-style: chr4-1804313-C-T. GRCh37 (hg19) VCF-style: chr4-1806040-C-T.
Other names: c.1082-17C>T (NM_001163213.2); c.1076-17C>T (NM_001354809.2, NM_001354810.2); c.931-511C>T (NM_022965.4).
Identifiers: ClinVar variation 516292 (VCV000516292.28), dbSNP rs17881967, ClinGen allele CA2810248.
Genomic context (GRCh38, chr4:1,804,313, plus strand): 5'-GCTCTGGGCCAGGGGCATCCATGGGAGCCCCGTGGGGGGGGGGGCCAGGCCAGGCCTCAA[C>T]GCCCATGTCTTTGCAGCCGAGGAGGAGCTGGTGGAGGCTGACGAGGCGGGCAGTGTGTAT-3'